The following is an entry in ClinVar:

ClinVar aggregate classification (germline): Pathogenic (1 of 4 stars; one submission).

Submission:

Labcorp Genetics (formerly Invitae), Labcorp
Classification: Pathogenic. Last evaluated: 2025-04-08. Review status: criteria provided, single submitter. Criteria: Invitae Variant Classification Sherloc (09022015). Collection method: clinical testing. Allele origin: germline.
Comment: This sequence change replaces cysteine, which is neutral and slightly polar, with glycine, which is neutral and non-polar, at codon 98 of the AVP protein (p.Cys98Gly). This variant is not present in population databases (gnomAD no frequency). This missense change has been observed in individuals with clinical features of familial neurohypophyseal diabetes insipidus (PMID: 11161827, 19129716). It has also been observed to segregate with disease in related individuals. This variant is also known as Cys67Gly. An algorithm developed to predict the effect of missense changes on protein structure and function (PolyPhen-2) suggests that this variant is likely to be disruptive. Experimental studies have shown that this missense change affects AVP function (PMID: 19129716). For these reasons, this variant has been classified as Pathogenic.

Literature cited by the submitters: PubMed 11161827; PubMed 19129716.

NM_000490.5(AVP):c.292T>G (p.Cys98Gly)

Gene: AVP (arginine vasopressin; minus strand). Cytogenetic location: 20p13.
Variant type: single nucleotide variant.
Coding change: c.292T>G on transcript NM_000490.5 (MANE Select); coding-DNA position 292, T replaced by G.
Protein change: p.Cys98Gly; replaces cysteine 98 with glycine.
Molecular consequence: missense variant.
Genome position (GRCh38, 1-based): chr20:3,083,007, A>C on the plus strand (T>G on the coding strand, the complement: AVP is on the minus strand). VCF-style: chr20-3083007-A-C. GRCh37 (hg19) VCF-style: chr20-3063653-A-C.
Other names: short protein forms C98G.
Identifiers: ClinVar variation 4710565 (VCV004710565.1).
Genomic context (GRCh38, chr20:3,083,007, plus strand): 5'-CCCAGCCCCAGGCCCGCCCCCGCCGCGCACCGTCGTTGCAGCAAACGCCGAAGGCGGCGC[A>C]GCGGCCCCCGCTCCCGCACGCCTTCTGGCCGGACTGGCAGGGCGACGGCAGGTAGTTCTC-3'
Protein context (NP_000481.2, residues 88-108): GQKACGSGGR[Cys98Gly]AAFGVCCNDE